The following is an entry in ClinVar:

NM_015443.4(KANSL1):c.1546T>A (p.Ser516Thr)

Gene: KANSL1 (KAT8 regulatory NSL complex subunit 1). Cytogenetic location: 17q21.31.
Variant type: single nucleotide variant.
Coding change: c.1546T>A on transcript NM_015443.4 (MANE Select); coding-DNA position 1546, T replaced by A.
Protein change: p.Ser516Thr; replaces serine 516 with threonine.
Molecular consequence: missense variant.
Genome position (GRCh38, 1-based): chr17:46,067,655, A>T on the plus strand (T>A on the coding strand, the complement: KANSL1 is on the minus strand). VCF-style: chr17-46067655-A-T. GRCh37 (hg19) VCF-style: chr17-44145021-A-T.
Other names: c.1546T>A, p.Ser516Thr (NM_001193465.2, NM_001193466.2, NM_001379198.1 and 14 more transcripts); c.1444T>A, p.Ser482Thr (NM_001405859.1, NM_001405860.1, NM_001405861.1 and 1 more transcripts); c.280T>A, p.Ser94Thr (NM_001405882.1, NM_001405883.1, NM_001405884.1 and 1 more transcripts); short protein forms S516T, S94T, S482T.
Identifiers: ClinVar variation 2160664 (VCV002160664.4), dbSNP rs2510765094, ClinGen allele CA399987804.

ClinVar aggregate classification (germline): Uncertain significance (1 of 4 stars; one submission).

Conditions:
Koolen-de Vries syndrome (KDVS). Identifiers: Orphanet 96169, MedGen C1864871, MONDO:0012496, OMIM 610443.

Allele frequency attached by ClinVar (database versions not stated): gnomAD exomes below 0.00001.
gnomAD v4.1: 1 of 1,536,254 alleles (0.000065%); highest among the groups gnomAD compares: Non-Finnish European, 0.00009%; no homozygotes.

Submission:

Labcorp Genetics (formerly Invitae), Labcorp
Classification: Uncertain significance for Koolen-de Vries syndrome. Last evaluated: 2022-05-07. Review status: criteria provided, single submitter. Criteria: Invitae Variant Classification Sherloc (09022015). Collection method: clinical testing. Allele origin: germline.
Comment: This sequence change replaces serine, which is neutral and polar, with threonine, which is neutral and polar, at codon 516 of the KANSL1 protein (p.Ser516Thr). This variant is not present in population databases (gnomAD no frequency). This variant has not been reported in the literature in individuals affected with KANSL1-related conditions. Algorithms developed to predict the effect of missense changes on protein structure and function are either unavailable or do not agree on the potential impact of this missense change (SIFT: "Deleterious"; PolyPhen-2: "Benign"; Align-GVGD: "Class C0"). In summary, the available evidence is currently insufficient to determine the role of this variant in disease. Therefore, it has been classified as a Variant of Uncertain Significance.